The following is an entry in ClinVar:

NM_000275.3(OCA2):c.1637-2A>G

Gene: OCA2 (OCA2 melanosomal transmembrane protein; minus strand). Cytogenetic location: 15q13.1.
Variant type: single nucleotide variant.
Coding change: c.1637-2A>G on transcript NM_000275.3 (MANE Select); the canonical splice acceptor site of the intron before coding-DNA position 1637, A replaced by G.
Molecular consequence: splice acceptor variant.
Genome position (GRCh38, 1-based): chr15:27,957,737, T>C on the plus strand (A>G on the coding strand, the complement: OCA2 is on the minus strand). VCF-style: chr15-27957737-T-C. GRCh37 (hg19) VCF-style: chr15-28202883-T-C.
Other names: c.1565-2A>G (NM_001300984.2).
Identifiers: ClinVar variation 627605 (VCV000627605.4), dbSNP rs1595717218, ClinGen allele CA391366197.

ClinVar aggregate classification (germline): Pathogenic. Review status: criteria provided, single submitter (1 of 4 stars). 2 submissions from 2 submitters: Pathogenic (1). 1 of the submissions does not count toward it.

Conditions:
Tyrosinase-positive oculocutaneous albinism (OCA2). Also called: Albinism, oculocutaneous, type II; Oculocutaneous albinism type 2; ALBINISM II. Identifiers: Orphanet 79432, MedGen C0268495, MONDO:0008746, OMIM 203200.
SKIN/HAIR/EYE PIGMENTATION 1, BLUE/NONBLUE EYES (SHEP1). Also called: EYE COLOR 3; EYE COLOR, BLUE/NONBLUE; EYE COLOR, BROWN/BLUE; HAIR COLOR 3; SKIN/HAIR/EYE PIGMENTATION 1, BLOND/BROWN HAIR; SKIN/HAIR/EYE PIGMENTATION 1, BLUE/BROWN EYES. Identifiers: MedGen C1856895, OMIM 227220.

Allele frequency attached by ClinVar (database versions not stated): gnomAD exomes below 0.00001.
gnomAD v4.1: 2 of 1,613,144 alleles (0.00012%); highest among the groups gnomAD compares: East Asian, 0.0022%; no homozygotes.

Submissions (2):

Juno Genomics, Hangzhou Juno Genomics, Inc
Classification: Pathogenic for Tyrosinase-positive oculocutaneous albinism; SKIN/HAIR/EYE PIGMENTATION 1, BLUE/NONBLUE EYES. Review status: criteria provided, single submitter. Criteria: ACMG Guidelines, 2015. Collection method: clinical testing. Allele origin: germline. Affected: yes.
Comment: Null variant in a gene where loss of function (LOF) is a known mechanism of disease.;Absent from controls (or at extremely low frequency if recessive) in Genome Aggregation Database, Exome Sequencing Project, 1000 Genomes Project, or Exome Aggregation Consortium.;Patient's phenotype or family history is highly specific for a disease with a single genetic etiology.

Center of Medical Genetics, Central South University
Classification: Likely pathogenic for Tyrosinase-positive oculocutaneous albinism. Last evaluated: 2019-03-26. Review status: no assertion criteria provided. Criteria: ACMG Guidelines, 2015. Collection method: clinical testing. Allele origin: germline. Affected: yes. Not counted in ClinVar's aggregate classification.